The following is an entry in ClinVar:

ClinVar aggregate classification (germline): Uncertain significance (1 of 4 stars; one submission).

Submission:

Labcorp Genetics (formerly Invitae), Labcorp
Classification: Uncertain significance. Last evaluated: 2025-11-05. Review status: criteria provided, single submitter. Criteria: Invitae Variant Classification Sherloc (09022015). Collection method: clinical testing. Allele origin: germline.
Comment: This sequence change replaces serine, which is neutral and polar, with tyrosine, which is neutral and polar, at codon 168 of the SLC10A2 protein (p.Ser168Tyr). The frequency data for this variant in the population databases is considered unreliable, as metrics indicate poor data quality at this position in the gnomAD database. This variant has not been reported in the literature in individuals affected with SLC10A2-related conditions. Invitae Evidence Modeling of protein sequence and biophysical properties (such as structural, functional, and spatial information, amino acid conservation, physicochemical variation, residue mobility, and thermodynamic stability) indicates that this missense variant is not expected to disrupt SLC10A2 protein function with a negative predictive value of 80%. In summary, the available evidence is currently insufficient to determine the role of this variant in disease. Therefore, it has been classified as a Variant of Uncertain Significance.

NM_000452.3(SLC10A2):c.503C>A (p.Ser168Tyr)

Gene: SLC10A2 (solute carrier family 10 member 2; minus strand). Cytogenetic location: 13q33.1.
Variant type: single nucleotide variant.
Coding change: c.503C>A on transcript NM_000452.3 (MANE Select); coding-DNA position 503, C replaced by A.
Protein change: p.Ser168Tyr; replaces serine 168 with tyrosine.
Molecular consequence: missense variant.
Genome position (GRCh38, 1-based): chr13:103,052,702, G>T on the plus strand (C>A on the coding strand, the complement: SLC10A2 is on the minus strand). VCF-style: chr13-103052702-G-T. GRCh37 (hg19) VCF-style: chr13-103705052-G-T.
Other names: short protein forms S168Y.
Identifiers: ClinVar variation 4763878 (VCV004763878.1).